The following is an entry in ClinVar:

NM_001376.5(DYNC1H1):c.12883C>A (p.Gln4295Lys)

Gene: DYNC1H1 (dynein cytoplasmic 1 heavy chain 1; plus strand). Cytogenetic location: 14q32.31.
Variant type: single nucleotide variant.
Coding change: c.12883C>A on transcript NM_001376.5 (MANE Select); coding-DNA position 12883, C replaced by A.
Protein change: p.Gln4295Lys; replaces glutamine 4295 with lysine.
Molecular consequence: missense variant.
Genome position (GRCh38, 1-based): chr14:102,044,472, C>A. VCF-style: chr14-102044472-C-A. GRCh37 (hg19) VCF-style: chr14-102510809-C-A.
Other names: short protein forms Q4295K.
Identifiers: ClinVar variation 4852282 (VCV004852282.1).

ClinVar aggregate classification (germline): Likely benign (1 of 4 stars; one submission).

Conditions:
Cortical dysplasia, complex, with other brain malformations 13. Also called: Intellectual disability, autosomal dominant 13. Identifiers: MedGen C3281202, MONDO:0013805, OMIM 614563.

Submission:

Centre for Medical Genetics,  Mumbai
Classification: Likely benign for Cortical dysplasia, complex, with other brain malformations 13. Last evaluated: 2026-05-01. Review status: criteria provided, single submitter. Criteria: ACMG Guidelines, 2015. Collection method: provider interpretation. Allele origin: germline. Inheritance: Autosomal dominant inheritance. Affected: no. Observed: 1 variant allele, 1 heterozygote.
Comment: The variant satisfies PM2 criteria - extremely low frequency in gnomAD population databases. The variant satisfies PP2 criteria - missense variant in a gene with low rate of benign missense mutations and for which missense mutation is a common mechanism of a disease. However, the variant satisfies BS2 criteria - present in heterozygous state in an individual that clinically does not have cortical dysplasia, complex, with other brain malformations.

Literature cited by the submitters: PubMed 21076407.